The following is an entry in ClinVar:

ClinVar aggregate classification (germline): Likely benign. Review status: criteria provided, multiple submitters, no conflicts (2 of 4 stars). 4 submissions from 4 submitters: Likely benign (4). Last evaluated 2026-01-05.

Conditions:
Familial cancer of breast. Also called: hereditary breast carcinoma; Hereditary breast cancer; BREAST CANCER, FAMILIAL. Identifiers: Orphanet 227535, MedGen C0346153, MONDO:0016419, OMIM 114480. Disease mechanism: loss of function.
Hereditary cancer-predisposing syndrome. Also called: Tumor predisposition; Hereditary neoplastic syndrome; Neoplastic Syndromes, Hereditary; Hereditary Cancer Syndrome. Identifiers: Orphanet 140162, MedGen C0027672, MeSH D009386, MONDO:0015356.

Allele frequency attached by ClinVar (database versions not stated): gnomAD exomes 0.00001 and 0.00002; TOPMed 0.00001; ExAC 0.00002.
gnomAD v4.1: 23 of 1,580,300 alleles (0.0015%); highest among the groups gnomAD compares: Non-Finnish European, 0.002%; no homozygotes.

Submissions (4):

Labcorp Genetics (formerly Invitae), Labcorp
Classification: Likely benign for Familial cancer of breast. Last evaluated: 2026-01-05. Review status: criteria provided, single submitter. Criteria: Invitae Variant Classification Sherloc (09022015). Collection method: clinical testing. Allele origin: germline.

Center for Genomic Medicine, Rigshospitalet, Copenhagen University Hospital
Classification: Likely benign. Last evaluated: 2025-03-04. Review status: criteria provided, single submitter. Criteria: ACMG Guidelines, 2015. Collection method: clinical testing. Allele origin: germline.

GeneDx
Classification: Likely benign. Last evaluated: 2017-06-28. Review status: criteria provided, single submitter. Criteria: GeneDx Variant Classification (06012015). Collection method: clinical testing. Allele origin: germline. Affected: yes.
Comment: This variant is considered likely benign or benign based on one or more of the following criteria: it is a conservative change, it occurs at a poorly conserved position in the protein, it is predicted to be benign by multiple in silico algorithms, and/or has population frequency not consistent with disease.

Color Diagnostics, LLC DBA Color Health
Classification: Likely benign for Hereditary cancer-predisposing syndrome. Last evaluated: 2016-07-20. Review status: criteria provided, single submitter. Criteria: ACMG Guidelines, 2015. Collection method: clinical testing. Allele origin: germline.

NM_000465.4(BARD1):c.1677+17C>T

Gene: BARD1 (BRCA1 associated RING domain 1; minus strand). Cytogenetic location: 2q35.
Variant type: single nucleotide variant.
Coding change: c.1677+17C>T on transcript NM_000465.4 (MANE Select); 17 bases into the intron after coding-DNA position 1677, C replaced by T.
Molecular consequence: intron variant.
Genome position (GRCh38, 1-based): chr2:214,752,430, G>A on the plus strand (C>T on the coding strand, the complement: BARD1 is on the minus strand). VCF-style: chr2-214752430-G-A. GRCh37 (hg19) VCF-style: chr2-215617154-G-A.
Other names: c.1677+17C>T (LRG_297t1); c.267+17C>T (NM_001282548.2); c.1620+17C>T (NM_001282543.2); c.324+17C>T (NM_001282545.2); c.365-21922C>T (NM_001282549.2).
Identifiers: ClinVar variation 379143 (VCV000379143.13), dbSNP rs774325249, ClinGen allele CA2090201.